The following is an entry in ClinVar:

ClinVar aggregate classification (germline): Uncertain significance (1 of 4 stars; one submission).

Conditions:
Bloom syndrome (BLM). Also called: Bloom-Torre-Machacek syndrome. Identifiers: Orphanet 125, MedGen C0005859, MONDO:0008876, OMIM 210900.

Allele frequency attached by ClinVar (database versions not stated): TOPMed below 0.00001; ExAC 0.00001; gnomAD 0.00001; gnomAD exomes 0.00001.
gnomAD v4.1: 16 of 1,614,030 alleles (0.00099%); highest among the groups gnomAD compares: Non-Finnish European, 0.0014%; no homozygotes.

Submission:

Labcorp Genetics (formerly Invitae), Labcorp
Classification: Uncertain significance for Bloom syndrome. Last evaluated: 2026-01-26. Review status: criteria provided, single submitter. Criteria: Invitae Variant Classification Sherloc (09022015). Collection method: clinical testing. Allele origin: germline.
Comment: This sequence change falls in intron 19 of the BLM gene. It does not directly change the encoded amino acid sequence of the BLM protein. RNA analysis indicates that this variant induces altered splicing and likely results in the gain of 4 amino acid residue(s), but is expected to preserve the integrity of the reading-frame. This variant is present in population databases (rs778248812, gnomAD 0.002%). This variant has not been reported in the literature in individuals affected with BLM-related conditions. ClinVar contains an entry for this variant (Variation ID: 1496812). Studies have shown that this variant results in the activation of a cryptic splice site in intron 19 (internal data). In summary, the available evidence is currently insufficient to determine the role of this variant in disease. Therefore, it has been classified as a Variant of Uncertain Significance.

NM_000057.4(BLM):c.3752-13T>G

Gene: BLM (BLM RecQ like helicase; plus strand). Cytogenetic location: 15q26.1.
Variant type: single nucleotide variant.
Coding change: c.3752-13T>G on transcript NM_000057.4 (MANE Select); 13 bases into the intron before coding-DNA position 3752, T replaced by G.
Molecular consequence: intron variant.
Genome position (GRCh38, 1-based): chr15:90,809,124, T>G. VCF-style: chr15-90809124-T-G. GRCh37 (hg19) VCF-style: chr15-91352354-T-G.
Other names: c.3752-13T>G (NM_001287246.2); c.2627-13T>G (NM_001287248.2); c.3359-13T>G (NM_001287247.2).
Identifiers: ClinVar variation 1496812 (VCV001496812.5), dbSNP rs778248812, ClinGen allele CA7739106.